The following is an entry in ClinVar:

ClinVar aggregate classification (germline): Conflicting classifications of pathogenicity. Review status: criteria provided, conflicting classifications (1 of 4 stars). 5 submissions from 5 submitters: Uncertain significance (3); Likely benign (1). 1 of the submissions does not count toward it. Last evaluated 2025-04-24.

Conditions:
Inborn genetic diseases. Identifiers: MedGen C0950123, MeSH D030342.
Simpson-Golabi-Behmel syndrome type 1 (SGBS1). Also called: GPC3-Related Simpson-Golabi-Behmel Syndrome Type 1; BULLDOG SYNDROME; DYSPLASIA GIGANTISM SYNDROME, X-LINKED; GOLABI-ROSEN SYNDROME; SIMPSON DYSMORPHIA SYNDROME. Identifiers: Orphanet 373, MedGen C0796154, MONDO:0020602, OMIM 312870.
Wilms tumor 1 (WT1). Also called: Wilms tumor, somatic. Identifiers: Orphanet 654, MedGen CN033288, MONDO:0008679, OMIM 194070.

gnomAD v4.1: 15 of 1,211,147 alleles (0.0012%); highest among the groups gnomAD compares: African/African-American, 0.021%; no homozygotes.

Submissions (5):

Ambry Genetics
Classification: Uncertain significance for Inborn genetic diseases. Last evaluated: 2025-04-24. Review status: criteria provided, single submitter. Criteria: Ambry Variant Classification Scheme 2023. Collection method: clinical testing. Allele origin: germline.

Labcorp Genetics (formerly Invitae), Labcorp
Classification: Likely benign for Wilms tumor 1. Last evaluated: 2024-04-16. Review status: criteria provided, single submitter. Criteria: Invitae Variant Classification Sherloc (09022015). Collection method: clinical testing. Allele origin: germline.

Fulgent Genetics
Classification: Uncertain significance for Wilms tumor 1; Simpson-Golabi-Behmel syndrome type 1. Last evaluated: 2024-02-12. Review status: criteria provided, single submitter. Criteria: ACMG Guidelines, 2015. Collection method: clinical testing. Allele origin: germline.

Mayo Clinic Laboratories, Mayo Clinic
Classification: Uncertain significance. Last evaluated: 2019-07-14. Review status: criteria provided, single submitter. Criteria: ACMG Guidelines, 2015. Collection method: clinical testing. Allele origin: germline. Observed: 1 variant allele.

ITMI
No classification provided. Condition: AllHighlyPenetrant. Last evaluated: 2013-09-19. Review status: no classification provided. Collection method: reference population. Allele origin: germline. Not counted in ClinVar's aggregate classification.
Comment: Please see associated publication for description of ethnicities

Literature cited by the submitters: PubMed 24728327 (cited by ITMI).

NM_004484.4(GPC3):c.1426A>T (p.Met476Leu)

Gene: GPC3 (glypican 3; minus strand). Cytogenetic location: Xq26.2.
Variant type: single nucleotide variant.
Coding change: c.1426A>T on transcript NM_004484.4 (MANE Select); coding-DNA position 1426, A replaced by T.
Protein change: p.Met476Leu; replaces methionine 476 with leucine.
Molecular consequence: missense variant.
Genome position (GRCh38, 1-based): chrX:133,596,587, T>A on the plus strand (A>T on the coding strand, the complement: GPC3 is on the minus strand). VCF-style: chrX-133596587-T-A. GRCh37 (hg19) VCF-style: chrX-132730615-T-A.
Other names: c.1495A>T, p.Met499Leu (NM_001164617.2); c.1378A>T, p.Met460Leu (NM_001164618.2); c.1264A>T, p.Met422Leu (NM_001164619.2); short protein forms M476L, M422L, M499L, M460L.
Identifiers: ClinVar variation 134502 (VCV000134502.17), dbSNP rs200265913, ClinGen allele CA159992.